The following is an entry in ClinVar:

NM_018662.3(DISC1):c.211G>T (p.Val71Leu)

Genes: DISC1 (DISC1 scaffold protein; plus strand), TSNAX-DISC1 (TSNAX-DISC1 readthrough (NMD candidate); plus strand). Cytogenetic location: 1q42.2.
Variant type: single nucleotide variant.
Coding change: c.211G>T on transcript NM_018662.3 (MANE Select); coding-DNA position 211, G replaced by T.
Protein change: p.Val71Leu; replaces valine 71 with leucine.
Molecular consequence: missense variant. On other transcripts: non-coding transcript variant (8), intron variant (1).
Genome position (GRCh38, 1-based): chr1:231,693,969, G>T. VCF-style: chr1-231693969-G-T. GRCh37 (hg19) VCF-style: chr1-231829715-G-T.
Other names: c.211G>T, p.Val71Leu (NM_001012957.2, NM_001012958.2, NM_001012959.2 and 18 more transcripts); c.68-55957G>T (NM_001164556.2); short protein forms V71L.
Identifiers: ClinVar variation 734810 (VCV000734810.5), dbSNP rs149444280, ClinGen allele CA1453560.

ClinVar aggregate classification (germline): Benign. Review status: criteria provided, single submitter (1 of 4 stars). 2 submissions from 2 submitters: Benign (1). 1 of the submissions does not count toward it. Last evaluated 2018-11-15.

Conditions:
DISC1-related disorder. Also called: DISC1-related condition.

Allele frequency attached by ClinVar (database versions not stated): ExAC 0.00117; 1000 Genomes Project 30x 0.00312; gnomAD 0.00352 and 0.00374; 1000 Genomes Project 0.00359; TOPMed 0.00396; ESP Exome Variant Server 0.00431.
gnomAD v4.1: 1,106 of 1,614,094 alleles (0.069%); highest among the groups gnomAD compares: African/African-American, 1.2%; 6 homozygotes.

Submissions (2):

Labcorp Genetics (formerly Invitae), Labcorp
Classification: Benign. Last evaluated: 2018-11-15. Review status: criteria provided, single submitter. Criteria: Invitae Variant Classification Sherloc (09022015). Collection method: clinical testing. Allele origin: germline.

PreventionGenetics, part of Exact Sciences
Classification: Benign for DISC1-related condition. Last evaluated: 2019-07-29. Review status: no assertion criteria provided. Collection method: clinical testing. Allele origin: germline. Not counted in ClinVar's aggregate classification.
Comment: This variant is classified as benign based on ACMG/AMP sequence variant interpretation guidelines (Richards et al. 2015 PMID: 25741868, with internal and published modifications).